The following is an entry in ClinVar:

NM_004183.4(BEST1):c.912T>G (p.Asp304Glu)

Gene: BEST1 (bestrophin 1; plus strand). Cytogenetic location: 11q12.3.
Variant type: single nucleotide variant.
Coding change: c.912T>G on transcript NM_004183.4 (MANE Select); coding-DNA position 912, T replaced by G.
Protein change: p.Asp304Glu; replaces aspartic acid 304 with glutamic acid.
Molecular consequence: missense variant. On other transcripts: non-coding transcript variant (1), intron variant (1).
Genome position (GRCh38, 1-based): chr11:61,959,542, T>G. VCF-style: chr11-61959542-T-G. GRCh37 (hg19) VCF-style: chr11-61727014-T-G.
Other names: c.732T>G, p.Asp244Glu (NM_001139443.3, NM_001300787.2); c.594T>G, p.Asp198Glu (NM_001363591.3); c.1115T>G, p.Ile372Ser (NM_001363592.2); c.-61T>G (NM_001363593.3); c.688-350T>G (NM_001300786.2); short protein forms D304E, D198E, I372S, D244E.
Identifiers: ClinVar variation 936394 (VCV000936394.10), dbSNP rs1941817289, ClinGen allele CA380843947.

ClinVar aggregate classification (germline): Likely pathogenic. Review status: criteria provided, multiple submitters, no conflicts (2 of 4 stars). 2 submissions from 2 submitters: Likely pathogenic (2). Last evaluated 2025-05-04.

Conditions:
BEST1-related disorder. Also called: BEST1-related disorders; BEST1-related condition. Identifiers: MedGen CN239200.

Submissions (2):

Labcorp Genetics (formerly Invitae), Labcorp
Classification: Likely pathogenic. Last evaluated: 2025-05-04. Review status: criteria provided, single submitter. Criteria: Invitae Variant Classification Sherloc (09022015). Collection method: clinical testing. Allele origin: germline.
Comment: This sequence change replaces aspartic acid, which is acidic and polar, with glutamic acid, which is acidic and polar, at codon 304 of the BEST1 protein (p.Asp304Glu). This variant is not present in population databases (gnomAD no frequency). This missense change has been observed in individual(s) with autosomal dominant BEST1-related conditions (internal data). ClinVar contains an entry for this variant (Variation ID: 936394). Invitae Evidence Modeling of protein sequence and biophysical properties (such as structural, functional, and spatial information, amino acid conservation, physicochemical variation, residue mobility, and thermodynamic stability) indicates that this missense variant is expected to disrupt BEST1 protein function with a positive predictive value of 95%. This variant disrupts the p.Asp304 amino acid residue in BEST1. Other variant(s) that disrupt this residue have been determined to be pathogenic (PMID: 23213274, 26807628). This suggests that this residue is clinically significant, and that variants that disrupt this residue are likely to be disease-causing. In summary, the currently available evidence indicates that the variant is pathogenic, but additional data are needed to prove that conclusively. Therefore, this variant has been classified as Likely Pathogenic.

Blueprint Genetics
Classification: Likely pathogenic for BEST1-related disorders. Last evaluated: 2023-06-01. Review status: criteria provided, single submitter. Criteria: ACMG Guidelines, 2015. Collection method: clinical testing. Allele origin: germline. Affected: yes. Observed: 3 variant alleles.

Literature cited by the submitters: PubMed 23213274 (cited by Labcorp Genetics (formerly Invitae), Labcorp); PubMed 26807628 (cited by Labcorp Genetics (formerly Invitae), Labcorp).